The following is an entry in ClinVar:

ClinVar aggregate classification (germline): Uncertain significance (1 of 4 stars; one submission).

Submission:

GeneDx
Classification: Uncertain significance. Last evaluated: 2023-05-05. Review status: criteria provided, single submitter. Criteria: GeneDx Variant Classification Process June 2021. Collection method: clinical testing. Allele origin: germline. Affected: yes.
Comment: Not observed at significant frequency in large population cohorts (gnomAD); In silico analysis supports that this missense variant has a deleterious effect on protein structure/function; Has not been previously published as pathogenic or benign to our knowledge

NM_001378609.3(OTOGL):c.5182C>A (p.Pro1728Thr)

Gene: OTOGL (otogelin like; plus strand). Cytogenetic location: 12q21.31.
Variant type: single nucleotide variant.
Coding change: c.5182C>A on transcript NM_001378609.3 (MANE Select); coding-DNA position 5182, C replaced by A.
Protein change: p.Pro1728Thr; replaces proline 1728 with threonine.
Molecular consequence: missense variant.
Genome position (GRCh38, 1-based): chr12:80,342,079, C>A. VCF-style: chr12-80342079-C-A. GRCh37 (hg19) VCF-style: chr12-80735859-C-A.
Other names: c.5047C>A, p.Pro1683Thr (NM_001368062.3); c.5182C>A, p.Pro1728Thr (NM_001378610.3, NM_173591.7); short protein forms P1683T, P1728T.
Identifiers: ClinVar variation 2663178 (VCV002663178.1), dbSNP rs2541332209, ClinGen allele CA385883278.
Genomic context (GRCh38, chr12:80,342,079, plus strand): 5'-ATAGGATTATTTATTGAGAGCTGGGAAATTGAGAAATCATTTGAAGTAACAATGAGAAGA[C>A]CTGTTAGGAATTGTACTGAGCATGATTGCAGCCAGTGCATTGATTTATTAAATAGAAGAA-3'
Protein context (NP_001365538.2, residues 1718-1738): EKSFEVTMRR[Pro1728Thr]VRNCTEHDCS